The following is an entry in ClinVar:

NM_003242.6(TGFBR2):c.598A>G (p.Thr200Ala)

Gene: TGFBR2 (transforming growth factor beta receptor 2; plus strand). Cytogenetic location: 3p24.1.
Variant type: single nucleotide variant.
Coding change: c.598A>G on transcript NM_003242.6 (MANE Select); coding-DNA position 598, A replaced by G.
Protein change: p.Thr200Ala; replaces threonine 200 with alanine.
Molecular consequence: missense variant. On other transcripts: intron variant (1).
Genome position (GRCh38, 1-based): chr3:30,671,781, A>G. VCF-style: chr3-30671781-A-G. GRCh37 (hg19) VCF-style: chr3-30713273-A-G.
Other names: c.673A>G, p.Thr225Ala (NM_001024847.3); c.781A>G, p.Thr261Ala (NM_001407126.1); c.706A>G, p.Thr236Ala (NM_001407127.1); c.625A>G, p.Thr209Ala (NM_001407128.1); c.601A>G, p.Thr201Ala (NM_001407129.1); c.598A>G, p.Thr200Ala (NM_001407130.1); c.493A>G, p.Thr165Ala (NM_001407132.1, NM_001407133.1, NM_001407134.1 and 2 more transcripts); c.313A>G, p.Thr105Ala (NM_001407137.1); and 2 more; short protein forms T165A, T261A, T105A, T200A, T225A, T236A, T201A, T209A.
Identifiers: ClinVar variation 3455843 (VCV003455843.4).

ClinVar aggregate classification (germline): Uncertain significance. Review status: criteria provided, multiple submitters, no conflicts (2 of 4 stars). 3 submissions from 3 submitters: Uncertain significance (3). Last evaluated 2025-12-10.

Conditions:
Familial thoracic aortic aneurysm and aortic dissection (TAAD). Also called: Thoracic aortic aneurysms and dissections. Identifiers: Orphanet 91387, MedGen C4707243, MONDO:0019625.

gnomAD v4.1: 6 of 1,614,194 alleles (0.00037%); highest among the groups gnomAD compares: African/African-American, 0.0013%; no homozygotes.

Submissions (3):

Labcorp Genetics (formerly Invitae), Labcorp
Classification: Uncertain significance for Familial thoracic aortic aneurysm and aortic dissection. Last evaluated: 2025-12-10. Review status: criteria provided, single submitter. Criteria: Invitae Variant Classification Sherloc (09022015). Collection method: clinical testing. Allele origin: germline.
Comment: This sequence change replaces threonine, which is neutral and polar, with alanine, which is neutral and non-polar, at codon 200 of the TGFBR2 protein (p.Thr200Ala). This variant is not present in population databases (gnomAD no frequency). This variant has not been reported in the literature in individuals affected with TGFBR2-related conditions. ClinVar contains an entry for this variant (Variation ID: 3455843). Invitae Evidence Modeling of protein sequence and biophysical properties (such as structural, functional, and spatial information, amino acid conservation, physicochemical variation, residue mobility, and thermodynamic stability) indicates that this missense variant is not expected to disrupt TGFBR2 protein function with a negative predictive value of 95%. In summary, the available evidence is currently insufficient to determine the role of this variant in disease. Therefore, it has been classified as a Variant of Uncertain Significance.

Color Diagnostics, LLC DBA Color Health
Classification: Uncertain significance for Familial thoracic aortic aneurysm and aortic dissection. Last evaluated: 2025-07-15. Review status: criteria provided, single submitter. Criteria: ACMG Guidelines, 2015. Collection method: clinical testing. Allele origin: germline.
Comment: This missense variant replaces threonine with alanine at codon 200 of the TGFBR2 protein. Computational prediction suggests that this variant may not impact protein structure and function. To our knowledge, functional studies have not been reported for this variant. This variant has not been reported in individuals affected with TGFBR2-related disorders in the literature. This variant has not been identified in the general population by the Genome Aggregation Database (gnomAD). The available evidence is insufficient to determine the role of this variant in disease conclusively. Therefore, this variant is classified as a Variant of Uncertain Significance.

Ambry Genetics
Classification: Uncertain significance for Familial thoracic aortic aneurysm and aortic dissection. Last evaluated: 2024-10-07. Review status: criteria provided, single submitter. Criteria: Ambry Variant Classification Scheme 2023. Collection method: clinical testing. Allele origin: germline.
Comment: The p.T200A variant (also known as c.598A>G), located in coding exon 4 of the TGFBR2 gene, results from an A to G substitution at nucleotide position 598. The threonine at codon 200 is replaced by alanine, an amino acid with similar properties. This amino acid position is conserved. In addition, this alteration is predicted to be tolerated by in silico analysis. Based on the available evidence, the clinical significance of this variant remains unclear.